The following is an entry in ClinVar:

NM_000742.4(CHRNA2):c.948G>C (p.Glu316Asp)

Gene: CHRNA2 (cholinergic receptor nicotinic alpha 2 subunit; minus strand). Cytogenetic location: 8p21.2.
Variant type: single nucleotide variant.
Coding change: c.948G>C on transcript NM_000742.4 (MANE Select); coding-DNA position 948, G replaced by C.
Protein change: p.Glu316Asp; replaces glutamic acid 316 with aspartic acid.
Molecular consequence: missense variant.
Genome position (GRCh38, 1-based): chr8:27,463,495, C>G on the plus strand (G>C on the coding strand, the complement: CHRNA2 is on the minus strand). VCF-style: chr8-27463495-C-G. GRCh37 (hg19) VCF-style: chr8-27321012-C-G.
Other names: c.903G>C, p.Glu301Asp (NM_001282455.2); c.471G>C, p.Glu157Asp (NM_001347705.2, NM_001347706.2); c.354G>C, p.Glu118Asp (NM_001347707.2, NM_001347708.2); short protein forms E118D, E157D, E301D, E316D.
Identifiers: ClinVar variation 1056068 (VCV001056068.5), dbSNP rs1812587015, ClinGen allele CA370810166.

ClinVar aggregate classification (germline): Uncertain significance (1 of 4 stars; one submission).

Conditions:
Familial sleep-related hypermotor epilepsy. Also called: Autosomal Dominant Sleep-Related Hypermotor (Hyperkinetic) Epilepsy. Identifiers: Orphanet 98784, MedGen C3696898, MONDO:0000030.

Submission:

Labcorp Genetics (formerly Invitae), Labcorp
Classification: Uncertain significance. Last evaluated: 2020-10-01. Review status: criteria provided, single submitter. Criteria: Invitae Variant Classification Sherloc (09022015). Collection method: clinical testing. Allele origin: germline.
Comment: This variant has not been reported in the literature in individuals with CHRNA2-related conditions. This variant is not present in population databases (ExAC no frequency). This sequence change replaces glutamic acid with aspartic acid at codon 316 of the CHRNA2 protein (p.Glu316Asp). The glutamic acid residue is highly conserved and there is a small physicochemical difference between glutamic acid and aspartic acid. In summary, the available evidence is currently insufficient to determine the role of this variant in disease. Therefore, it has been classified as a Variant of Uncertain Significance. Algorithms developed to predict the effect of missense changes on protein structure and function output the following: SIFT: "Tolerated"; PolyPhen-2: "Benign"; Align-GVGD: "Class C0". The aspartic acid amino acid residue is found in multiple mammalian species, suggesting that this missense change does not adversely affect protein function. These predictions have not been confirmed by published functional studies and their clinical significance is uncertain.